The following is an entry in ClinVar:

ClinVar aggregate classification (germline): Conflicting classifications of pathogenicity. Review status: criteria provided, conflicting classifications (1 of 4 stars). 13 submissions from 12 submitters: Uncertain significance (6); Benign (1); Likely benign (6). Last evaluated 2026-02-25.

Conditions:
MYBPC3-related disorder. Also called: MYBPC3-related disorders; MYBPC3-related condition; MYBPC3-related disease.
Cardiovascular phenotype. Identifiers: MedGen CN230736.
Left ventricular noncompaction 10 (LVNC10). Identifiers: Orphanet 154, Orphanet 54260, MedGen C3715165, MONDO:0014163, OMIM 615396.
Cardiomyopathy (CMYO). Also called: Cardiomyopathies. Identifiers: Orphanet 167848, MedGen C0878544, MONDO:0004994, HP:0001638. Inheritance: Various modes of inheritance.
Hypertrophic cardiomyopathy 4. Also called: Familial hypertrophic cardiomyopathy 4. Identifiers: MedGen C1861862, MONDO:0007268, OMIM 115197.
Hypertrophic cardiomyopathy. Also called: HYPERTROPHIC MYOCARDIOPATHY. Identifiers: Orphanet 217569, MedGen C0007194, MeSH D002312, MONDO:0005045, HP:0001639.

Allele frequency attached by ClinVar (database versions not stated): ExAC 0.00003; gnomAD exomes 0.00003 and 0.00007; ESP Exome Variant Server 0.00024; TOPMed 0.00026; gnomAD 0.00034 and 0.00038; 1000 Genomes Project 0.00040; 1000 Genomes Project 30x 0.00047.
gnomAD v4.1: 100 of 1,612,674 alleles (0.0062%); highest among the groups gnomAD compares: African/African-American, 0.099%; no homozygotes.

Submissions (13):

PreventionGenetics, part of Exact Sciences
Classification: Uncertain significance for MYBPC3-related condition. Last evaluated: 2026-02-25. Review status: criteria provided, single submitter. Criteria: ACMG Guidelines, 2015. Collection method: clinical testing. Allele origin: germline.
Comment: The MYBPC3 c.3787C>T variant is predicted to result in the amino acid substitution p.Arg1263Trp. This variant was reported in two individuals with hypertrophic cardiomyopathy (Supplementary Tables S8 and S10, McGurk et al. 2023. PubMed ID: 37652022). This variant is reported in 0.075% of alleles in individuals of African descent in gnomAD. Although we suspect that this variant may be benign, at this time, the clinical significance of this variant is uncertain due to the absence of conclusive functional and genetic evidence.

Women's Health and Genetics/Laboratory Corporation of America, LabCorp
Classification: Likely benign. Last evaluated: 2026-02-16. Review status: criteria provided, single submitter. Criteria: LabCorp Variant Classification Summary - May 2015. Collection method: clinical testing. Allele origin: germline.
Comment: Variant summary: MYBPC3 c.3787C>T (p.Arg1263Trp) results in a non-conservative amino acid change in the encoded protein sequence. Algorithms developed to predict the effect of missense changes on protein structure and function are either unavailable or do not agree on the potential impact of this missense change. The variant allele was found at a frequency of 6.2e-05 in 1612674 control chromosomes, predominantly at a frequency of 0.00099 within the African or African-American subpopulation in the gnomAD database. c.3787C>T has been observed in individuals affected with Cardiomyopathy (e.g. McGurk_2023). These report(s) do not provide unequivocal conclusions about association of the variant with Cardiomyopathy. To our knowledge, no experimental evidence demonstrating an impact on protein function has been reported. The following publication has been ascertained in the context of this evaluation (PMID: 37652022). ClinVar contains an entry for this variant (Variation ID: 181026). Based on the evidence outlined above, the variant was classified as likely benign.

Labcorp Genetics (formerly Invitae), Labcorp
Classification: Likely benign for Hypertrophic cardiomyopathy. Last evaluated: 2026-01-18. Review status: criteria provided, single submitter. Criteria: Invitae Variant Classification Sherloc (09022015). Collection method: clinical testing. Allele origin: germline.

Mayo Clinic Laboratories, Mayo Clinic
Classification: Likely benign. Last evaluated: 2025-11-30. Review status: criteria provided, single submitter. Criteria: ACMG Guidelines, 2015. Collection method: clinical testing. Allele origin: germline. Observed: 1 variant allele.
Comment: BS1, BP4

GeneDx
Classification: Uncertain significance. Last evaluated: 2024-06-13. Review status: criteria provided, single submitter. Criteria: GeneDx Variant Classification Process June 2021. Collection method: clinical testing. Allele origin: germline. Affected: yes.
Comment: Identified in an individual in the Framingham Heart Study who did not meet criteria for a diagnosis of hypertrophic cardiomyopathy (PMID: 22958901); In silico analysis indicates that this missense variant does not alter protein structure/function; This variant is associated with the following publications: (PMID: 21310275, 22958901, 37652022, 37466024)

Ambry Genetics
Classification: Likely benign for Cardiovascular phenotype. Last evaluated: 2022-02-02. Review status: criteria provided, single submitter. Criteria: Ambry Variant Classification Scheme 2023. Collection method: clinical testing. Allele origin: germline.

Color Diagnostics, LLC DBA Color Health
Classification: Likely benign for Cardiomyopathy. Last evaluated: 2020-03-18. Review status: criteria provided, single submitter. Criteria: ACMG Guidelines, 2015. Collection method: clinical testing. Allele origin: germline.

Blueprint Genetics
Classification: Likely benign. Last evaluated: 2019-12-12. Review status: criteria provided, single submitter. Criteria: ACMG Guidelines, 2015. Collection method: clinical testing. Allele origin: germline.

Mendelics
Classification: Uncertain significance for Hypertrophic cardiomyopathy 4. Last evaluated: 2019-05-28. Review status: criteria provided, single submitter. Criteria: Mendelics Assertion Criteria 2017. Collection method: clinical testing. Allele origin: unknown.

Illumina Laboratory Services, Illumina
Classification: Benign for Left ventricular noncompaction 10. Last evaluated: 2017-11-16. Review status: criteria provided, single submitter. Criteria: ICSL Variant Classification Criteria 13 December 2019. Collection method: clinical testing. Allele origin: germline.
Comment: This variant was observed as part of a predisposition screen in an ostensibly healthy population. A literature search was performed for the gene, cDNA change, and amino acid change (where applicable). Publications were found based on this search. The evidence from the literature, in combination with allele frequency data from public databases where available, was sufficient to rule this variant out of causing disease. Therefore, this variant is classified as benign.

Illumina Laboratory Services, Illumina
Classification: Uncertain significance for Hypertrophic cardiomyopathy 4. Last evaluated: 2017-11-16. Review status: criteria provided, single submitter. Criteria: ICSL Variant Classification Criteria 13 December 2019. Collection method: clinical testing. Allele origin: germline.
Comment: This variant was observed as part of a predisposition screen in an ostensibly healthy population. A literature search was performed for the gene, cDNA change, and amino acid change (where applicable). Publications were found based on this search. However, the evidence from the literature, in combination with allele frequency data from public databases where available, was not sufficient to rule this variant in or out of causing disease. Therefore, this variant is classified as a variant of unknown significance.

Eurofins Ntd Llc (ga)
Classification: Uncertain significance. Last evaluated: 2015-08-21. Review status: criteria provided, single submitter. Criteria: EGL Classification Definitions 2015. Collection method: clinical testing. Allele origin: germline. Observed: 1 variant allele, 1 heterozygote.

Laboratory for Molecular Medicine, Mass General Brigham Personalized Medicine
Classification: Uncertain significance. Last evaluated: 2015-04-18. Review status: criteria provided, single submitter. Criteria: LMM Criteria. Collection method: clinical testing. Allele origin: germline. Observed: 1 variant allele.
Comment: Variant classified as Uncertain Significance - Favor Benign. The p.Arg1263Trp va riant in MYBPC3 has not been previously reported in individuals with cardiomyopa thy, but has been identified in 3/9594 African chromosomes by the Exome Aggregat ion Consortium (ExAC; dbSNP rs370338674). Argini ne (Arg) at position 1263 is not conserved evolution and the change to tryptopha n (Trp) was predicted to be benign using a computational tool clinically validat ed by our laboratory. This tool's benign prediction is estimated to be correct 8 9% of the time (Jordan 2011). In summary, while the clinical significance of the p.Arg1263Trp variant is uncertain, these data suggest that it is more likely to be benign.

Literature cited by the submitters: PubMed 37652022 (cited by Women's Health and Genetics/Laboratory Corporation of America, LabCorp and Mayo Clinic Laboratories, Mayo Clinic); PubMed 22958901 (cited by Ambry Genetics and Illumina Laboratory Services, Illumina); PubMed 17536430 (cited by Illumina Laboratory Services, Illumina).

NM_000256.3(MYBPC3):c.3787C>T (p.Arg1263Trp)

Gene: MYBPC3 (myosin binding protein C3; minus strand). Cytogenetic location: 11p11.2.
Variant type: single nucleotide variant.
Coding change: c.3787C>T on transcript NM_000256.3 (MANE Select); coding-DNA position 3787, C replaced by T.
Protein change: p.Arg1263Trp; replaces arginine 1263 with tryptophan.
Molecular consequence: missense variant.
Genome position (GRCh38, 1-based): chr11:47,332,099, G>A on the plus strand (C>T on the coding strand, the complement: MYBPC3 is on the minus strand). VCF-style: chr11-47332099-G-A. GRCh37 (hg19) VCF-style: chr11-47353650-G-A.
Other names: p.R1263W:CGG>TGG; short protein forms R1263W.
Identifiers: ClinVar variation 181026 (VCV000181026.36), dbSNP rs370338674, ClinGen allele CA014891.